The following is an entry in ClinVar:

ClinVar aggregate classification (germline): Pathogenic/Likely pathogenic. Review status: criteria provided, multiple submitters, no conflicts (2 of 4 stars). 3 submissions from 3 submitters: Pathogenic (1); Likely pathogenic (1). 1 of the submissions does not count toward it. Last evaluated 2020-07-15.

Conditions:
Congenital myasthenic syndrome 18. Also called: MYASTHENIC SYNDROME, CONGENITAL, 18, WITH INTELLECTUAL DISABILITY AND ATAXIA. Identifiers: Orphanet 590, MedGen C4225364, MONDO:0014590, OMIM 616330.
Inborn genetic diseases. Identifiers: MedGen C0950123, MeSH D030342.
Developmental and epileptic encephalopathy. Identifiers: MedGen C5779964, MONDO:0100620.

Submissions (3):

Institute of Human Genetics, University of Leipzig Medical Center
Classification: Pathogenic for Early-infantile DEE. Last evaluated: 2020-07-15. Review status: criteria provided, single submitter. Criteria: ACMG Guidelines, 2015. Collection method: clinical testing. Allele origin: de novo. Affected: yes.
Comment: This variant was identified as de novo (maternity and paternity confirmed).

Ambry Genetics
Classification: Likely pathogenic for Inborn genetic diseases. Last evaluated: 2018-09-21. Review status: criteria provided, single submitter. Criteria: Ambry Variant Classification Scheme 2023. Collection method: clinical testing. Allele origin: germline.
Comment: formerly reported from HGMD as NM_130811 c.200T>A

OMIM
Classification: Pathogenic for DEVELOPMENTAL AND EPILEPTIC ENCEPHALOPATHY 117. Last evaluated: 2014-12-09. Review status: no assertion criteria provided. Collection method: literature only. Allele origin: germline. Not counted in ClinVar's aggregate classification.

Literature cited by the submitters: PubMed 33299146 (cited by Institute of Human Genetics, University of Leipzig Medical Center); PubMed 25381298 (cited by Ambry Genetics and OMIM); PubMed 29100083 (cited by Ambry Genetics and OMIM); PubMed 29355968 (cited by Ambry Genetics); PubMed 29491473 (cited by Ambry Genetics).

NM_130811.4(SNAP25):c.200T>A (p.Ile67Asn)

Gene: SNAP25 (synaptosome associated protein 25; plus strand). Cytogenetic location: 20p12.2.
Variant type: single nucleotide variant.
Coding change: c.200T>A on transcript NM_130811.4 (MANE Select); coding-DNA position 200, T replaced by A.
Protein change: p.Ile67Asn; replaces isoleucine 67 with asparagine.
Molecular consequence: missense variant. On other transcripts: intron variant (2).
Genome position (GRCh38, 1-based): chr20:10,293,197, T>A. VCF-style: chr20-10293197-T-A. GRCh37 (hg19) VCF-style: chr20-10273845-T-A.
Other names: c.200T>A, p.Ile67Asn (NM_001322903.2, NM_001322904.2, NM_001322905.2 and 5 more transcripts); c.281+198T>A (NM_003081.5, NM_001322902.2, NM_003081.3); short protein forms I67N.
Identifiers: ClinVar variation 253030 (VCV000253030.6), dbSNP rs1555794286, ClinGen allele CA10586162.
Genomic context (GRCh38, chr20:10,293,197, plus strand): 5'-GATAAAATACTTGTGTTTAATCAGAACAACTGGAACGCATTGAGGAAGGGATGGACCAAA[T>A]CAATAAGGACATGAAAGAAGCAGAAAAGAATTTGACGGACCTAGGAAAATTCTGCGGGCT-3'
Protein context (NP_570824.1, residues 57-77): LERIEEGMDQ[Ile67Asn]NKDMKEAEKN